The following is an entry in ClinVar:

NM_012238.5(SIRT1):c.1122dup (p.Lys375Ter)

Gene: SIRT1 (sirtuin 1; plus strand). Cytogenetic location: 10q21.3.
Variant type: Duplication.
Coding change: c.1122dup on transcript NM_012238.5 (MANE Select); coding-DNA position 1122, one base duplicated (T; older notation c.1122dupT).
Protein change: p.Lys375Ter; replaces lysine 375 with a stop codon.
Molecular consequence: nonsense.
Genome position (GRCh38, 1-based): chr10:67,908,077, T duplicated. VCF-style (leftmost placement, unchanged base first): chr10-67908076-G-GT. GRCh37 (hg19) VCF-style: chr10-69667833-G-GT.
Other names: c.237dup, p.Lys80Ter (NM_001142498.2); c.213dup, p.Lys72Ter (NM_001314049.2); short protein forms K375*, K80*, K72*.
Identifiers: ClinVar variation 2706038 (VCV002706038.3), dbSNP rs2492951288, ClinGen allele CA2697558396.

ClinVar aggregate classification (germline): Uncertain significance (1 of 4 stars; one submission).

Submission:

Labcorp Genetics (formerly Invitae), Labcorp
Classification: Uncertain significance. Last evaluated: 2024-03-01. Review status: criteria provided, single submitter. Criteria: Invitae Variant Classification Sherloc (09022015). Collection method: clinical testing. Allele origin: germline.
Comment: This sequence change creates a premature translational stop signal (p.Lys375*) in the SIRT1 gene. It is expected to result in an absent or disrupted protein product. However, the current clinical and genetic evidence is not sufficient to establish whether loss-of-function variants in SIRT1 cause disease. This variant is not present in population databases (gnomAD no frequency). This variant has not been reported in the literature in individuals affected with SIRT1-related conditions. In summary, the available evidence is currently insufficient to determine the role of this variant in disease. Therefore, it has been classified as a Variant of Uncertain Significance.